The following is an entry in ClinVar:

NM_001363.5(DKC1):c.142G>A (p.Asp48Asn)

Gene: DKC1 (dyskerin pseudouridine synthase 1; plus strand). Cytogenetic location: Xq28.
Variant type: single nucleotide variant.
Coding change: c.142G>A on transcript NM_001363.5 (MANE Select); coding-DNA position 142, G replaced by A.
Protein change: p.Asp48Asn; replaces aspartic acid 48 with asparagine.
Molecular consequence: missense variant. On other transcripts: non-coding transcript variant (3).
Genome position (GRCh38, 1-based): chrX:154,765,501, G>A. VCF-style: chrX-154765501-G-A. GRCh37 (hg19) VCF-style: chrX-153993776-G-A.
Other names: c.142G>A, p.Asp48Asn (NM_001142463.3, NM_001288747.2); short protein forms D48N.
Identifiers: ClinVar variation 1947653 (VCV001947653.5), dbSNP rs2071733946, ClinGen allele CA414888948.

ClinVar aggregate classification (germline): Uncertain significance (1 of 4 stars; one submission).

Conditions:
Dyskeratosis congenita. Identifiers: Orphanet 1775, MedGen C0265965, MONDO:0015780.

Allele frequency attached by ClinVar (database versions not stated): gnomAD exomes below 0.00001.
gnomAD v4.1: 4 of 1,209,007 alleles (0.00033%); highest among the groups gnomAD compares: Non-Finnish European, 0.00034%; no homozygotes.

Submission:

Labcorp Genetics (formerly Invitae), Labcorp
Classification: Uncertain significance for Dyskeratosis congenita. Last evaluated: 2024-05-06. Review status: criteria provided, single submitter. Criteria: Invitae Variant Classification Sherloc (09022015). Collection method: clinical testing. Allele origin: germline.
Comment: This sequence change replaces aspartic acid, which is acidic and polar, with asparagine, which is neutral and polar, at codon 48 of the DKC1 protein (p.Asp48Asn). This variant is not present in population databases (gnomAD no frequency). This variant has not been reported in the literature in individuals affected with DKC1-related conditions. ClinVar contains an entry for this variant (Variation ID: 1947653). Advanced modeling of protein sequence and biophysical properties (such as structural, functional, and spatial information, amino acid conservation, physicochemical variation, residue mobility, and thermodynamic stability) performed at Invitae indicates that this missense variant is not expected to disrupt DKC1 protein function with a negative predictive value of 80%. In summary, the available evidence is currently insufficient to determine the role of this variant in disease. Therefore, it has been classified as a Variant of Uncertain Significance.